The following is an entry in ClinVar:

NM_005861.4(STUB1):c.60C>T (p.Pro20=)

Gene: STUB1 (STIP1 homology and U-box containing protein 1; plus strand). Cytogenetic location: 16p13.3.
Variant type: single nucleotide variant.
Coding change: c.60C>T on transcript NM_005861.4 (MANE Select); coding-DNA position 60, C replaced by T.
Protein change: p.Pro20=; no amino-acid change (proline 20 retained).
Molecular consequence: synonymous variant. On other transcripts: 5 prime UTR variant (1).
Genome position (GRCh38, 1-based): chr16:680,585, C>T. VCF-style: chr16-680585-C-T. GRCh37 (hg19) VCF-style: chr16-730585-C-T.
Other names: c.-246C>T (NM_001293197.2).
Identifiers: ClinVar variation 3030006 (VCV003030006.2), dbSNP rs370852264, ClinGen allele CA492836419.

ClinVar aggregate classification (germline): Likely benign (0 of 4 stars; one submission).

Conditions:
STUB1-related disorder. Also called: STUB1-related condition.

Submission:

PreventionGenetics, part of Exact Sciences
Classification: Likely benign for STUB1-related condition. Last evaluated: 2021-03-22. Review status: no assertion criteria provided. Collection method: clinical testing. Allele origin: germline.
Comment: This variant is classified as likely benign based on ACMG/AMP sequence variant interpretation guidelines (Richards et al. 2015 PMID: 25741868, with internal and published modifications).